The following is an entry in ClinVar:

ClinVar aggregate classification (germline): Uncertain significance (1 of 4 stars; one submission).

Allele frequency attached by ClinVar (database versions not stated): 1000 Genomes Project 0.00060; gnomAD exomes 0.00014; TOPMed 0.00003; gnomAD 0.00004; ExAC 0.00037; 1000 Genomes Project 30x 0.00062.
gnomAD v4.1: 219 of 1,605,074 alleles (0.014%); highest among the groups gnomAD compares: Middle Eastern, 0.38%; 2 homozygotes.

Submission:

Labcorp Genetics (formerly Invitae), Labcorp
Classification: Uncertain significance. Last evaluated: 2022-10-24. Review status: criteria provided, single submitter. Criteria: Invitae Variant Classification Sherloc (09022015). Collection method: clinical testing. Allele origin: germline.
Comment: In summary, the available evidence is currently insufficient to determine the role of this variant in disease. Therefore, it has been classified as a Variant of Uncertain Significance. Advanced modeling of protein sequence and biophysical properties (such as structural, functional, and spatial information, amino acid conservation, physicochemical variation, residue mobility, and thermodynamic stability) performed at Invitae indicates that this missense variant is not expected to disrupt HERC1 protein function. This variant has not been reported in the literature in individuals affected with HERC1-related conditions. This variant is present in population databases (rs563489663, gnomAD 0.2%). This sequence change replaces valine, which is neutral and non-polar, with leucine, which is neutral and non-polar, at codon 4664 of the HERC1 protein (p.Val4664Leu).

NM_003922.4(HERC1):c.13990G>C (p.Val4664Leu)

Gene: HERC1 (HECT and RLD domain containing E3 ubiquitin protein ligase family member 1; minus strand). Cytogenetic location: 15q22.31.
Variant type: single nucleotide variant.
Coding change: c.13990G>C on transcript NM_003922.4 (MANE Select); coding-DNA position 13990, G replaced by C.
Protein change: p.Val4664Leu; replaces valine 4664 with leucine.
Molecular consequence: missense variant.
Genome position (GRCh38, 1-based): chr15:63,615,872, C>G on the plus strand (G>C on the coding strand, the complement: HERC1 is on the minus strand). VCF-style: chr15-63615872-C-G. GRCh37 (hg19) VCF-style: chr15-63908071-C-G.
Other names: short protein forms V4664L.
Identifiers: ClinVar variation 2056876 (VCV002056876.4), dbSNP rs563489663, ClinGen allele CA7603594.